The following is an entry in ClinVar:

ClinVar aggregate classification (germline): Benign. Review status: criteria provided, multiple submitters, no conflicts (2 of 4 stars). 3 submissions from 2 submitters: Benign (3). Last evaluated 2018-01-13.

Conditions:
Short-rib thoracic dysplasia 7 with or without polydactyly (SRTD7). Also called: Short rib polydactyly syndrome 5; SHORT-RIB THORACIC DYSPLASIA 7 WITH POLYDACTYLY. Identifiers: Orphanet 498497, Orphanet 93271, MedGen C3279792, MONDO:0013569, OMIM 614091.
Cranioectodermal dysplasia 2 (CED2). Identifiers: Orphanet 1515, MedGen C3150874, MONDO:0013323, OMIM 613610.

Allele frequency attached by ClinVar (database versions not stated): gnomAD 0.04804 and 0.05128; TOPMed 0.05356; 1000 Genomes Project 0.05531; 1000 Genomes Project 30x 0.05934.

Submissions (3):

Illumina Laboratory Services, Illumina
Classification: Benign for Cranioectodermal dysplasia 2. Last evaluated: 2018-01-13. Review status: criteria provided, single submitter. Criteria: ICSL Variant Classification Criteria 13 December 2019. Collection method: clinical testing. Allele origin: germline.
Comment: This variant was observed in the ICSL laboratory as part of a predisposition screen in an ostensibly healthy population. It had not been previously curated by ICSL or reported in the Human Gene Mutation Database (HGMD: prior to June 1st, 2018), and was therefore a candidate for classification through an automated scoring system. Utilizing variant allele frequency, disease prevalence and penetrance estimates, and inheritance mode, an automated score was calculated to assess if this variant is too frequent to cause the disease. Based on the score and internal cut-off values, a variant classified as benign is not then subjected to further curation. The score for this variant resulted in a classification of benign for this disease.

Illumina Laboratory Services, Illumina
Classification: Benign for Short-rib thoracic dysplasia 7 with or without polydactyly. Last evaluated: 2018-01-13. Review status: criteria provided, single submitter. Criteria: ICSL Variant Classification Criteria 13 December 2019. Collection method: clinical testing. Allele origin: germline.
Comment: the same text as in the submission from Illumina Laboratory Services, Illumina above.

Breakthrough Genomics
Classification: Benign. Review status: criteria provided, single submitter. Criteria: ACMG Guidelines, 2015. Collection method: not provided. Allele origin: germline. Inheritance: Autosomal recessive inheritance. Affected: yes.

NM_020779.4(WDR35):c.*1489G>A

Gene: WDR35 (WD repeat domain 35; minus strand). Cytogenetic location: 2p24.1.
Variant type: single nucleotide variant.
Coding change: c.*1489G>A on transcript NM_020779.4 (MANE Select); 1489 bases downstream of the stop codon, G replaced by A.
Molecular consequence: 3 prime UTR variant.
Genome position (GRCh38, 1-based): chr2:19,912,069, C>T on the plus strand (G>A on the coding strand, the complement: WDR35 is on the minus strand). VCF-style: chr2-19912069-C-T. GRCh37 (hg19) VCF-style: chr2-20111830-C-T.
Other names: c.*1489G>A (NM_001006657.2).
Identifiers: ClinVar variation 333345 (VCV000333345.6), dbSNP rs10182866, ClinGen allele CA10613431.